The following is an entry in ClinVar:

NM_000535.7(PMS2):c.201A>G (p.Glu67=)

Gene: PMS2 (PMS1 homolog 2, mismatch repair system component; minus strand). Cytogenetic location: 7p22.1.
Variant type: single nucleotide variant.
Coding change: c.201A>G on transcript NM_000535.7 (MANE Select); coding-DNA position 201, A replaced by G.
Protein change: p.Glu67=; no amino-acid change (glutamic acid 67 retained).
Molecular consequence: synonymous variant. On other transcripts: 5 prime UTR variant (11), non-coding transcript variant (1).
Genome position (GRCh38, 1-based): chr7:6,004,021, T>C on the plus strand (A>G on the coding strand, the complement: PMS2 is on the minus strand). VCF-style: chr7-6004021-T-C. GRCh37 (hg19) VCF-style: chr7-6043652-T-C.
Other names: c.-205A>G (NM_001322003.2, NM_001322004.2, NM_001322005.2 and 3 more transcripts); c.201A>G, p.Glu67= (NM_001322006.2, NM_001322014.2); c.-15A>G (NM_001322007.2, NM_001322008.2); c.-684A>G (NM_001322011.2, NM_001322012.2); c.-284A>G (NM_001322015.2).
Identifiers: ClinVar variation 1121463 (VCV001121463.8), dbSNP rs2128830152, ClinGen allele CA453648675.

ClinVar aggregate classification (germline): Benign/Likely benign. Review status: criteria provided, multiple submitters, no conflicts (2 of 4 stars). 2 submissions from 2 submitters: Benign (1); Likely benign (1). Last evaluated 2025-01-23.

Conditions:
Lynch syndrome 4 (LYNCH4). Also called: Colorectal cancer, hereditary nonpolyposis, type 4; Hereditary non-polyposis colorectal cancer, type 4. Identifiers: Orphanet 144, MedGen C1838333, MONDO:0013699, OMIM 614337. Disease mechanism: loss of function.
Hereditary nonpolyposis colorectal neoplasms. Identifiers: MedGen C0009405, MeSH D003123.

Submissions (2):

Myriad Genetics, Inc.
Classification: Benign for Lynch syndrome 4. Last evaluated: 2025-01-23. Review status: criteria provided, single submitter. Criteria: Myriad Autosomal Dominant, Autosomal Recessive and X-Linked Classification Criteria (2023). Collection method: clinical testing. Allele origin: unknown.
Comment: This variant is considered benign. This variant is a silent/synonymous amino acid change and it is not expected to impact splicing.

Labcorp Genetics (formerly Invitae), Labcorp
Classification: Likely benign for Hereditary nonpolyposis colorectal neoplasms. Last evaluated: 2021-09-10. Review status: criteria provided, single submitter. Criteria: Invitae Variant Classification Sherloc (09022015). Collection method: clinical testing. Allele origin: germline.